The following is an entry in ClinVar:

ClinVar aggregate classification (germline): Uncertain significance (1 of 4 stars; one submission).

Allele frequency attached by ClinVar (database versions not stated): gnomAD exomes below 0.00001; ExAC 0.00001; gnomAD 0.00001; TOPMed 0.00001.

Submission:

GeneDx
Classification: Uncertain significance. Last evaluated: 2021-06-22. Review status: criteria provided, single submitter. Criteria: GeneDx Variant Classification Process June 2021. Collection method: clinical testing. Allele origin: germline. Affected: yes.
Comment: In silico analysis supports that this missense variant does not alter protein structure/function; Has not been previously published as pathogenic or benign to our knowledge; This variant is associated with the following publications: (PMID: 27535533)

NM_015100.4(POGZ):c.2872G>A (p.Ala958Thr)

Gene: POGZ (pogo transposable element derived with ZNF domain; minus strand). Cytogenetic location: 1q21.3.
Variant type: single nucleotide variant.
Coding change: c.2872G>A on transcript NM_015100.4 (MANE Select); coding-DNA position 2872, G replaced by A.
Protein change: p.Ala958Thr; replaces alanine 958 with threonine.
Molecular consequence: missense variant.
Genome position (GRCh38, 1-based): chr1:151,406,163, C>T on the plus strand (G>A on the coding strand, the complement: POGZ is on the minus strand). VCF-style: chr1-151406163-C-T. GRCh37 (hg19) VCF-style: chr1-151378639-C-T.
Other names: c.2845G>A, p.Ala949Thr (NM_001194937.2); c.2686G>A, p.Ala896Thr (NM_001194938.2); c.2587G>A, p.Ala863Thr (NM_145796.4); c.2713G>A, p.Ala905Thr (NM_207171.2); short protein forms A863T, A896T, A905T, A949T, A958T.
Identifiers: ClinVar variation 1329731 (VCV001329731.2), dbSNP rs747486410, ClinGen allele CA1091043.